The following is an entry in ClinVar:

NM_003072.5(SMARCA4):c.3560A>T (p.Gln1187Leu)

Gene: SMARCA4 (SWI/SNF related BAF chromatin remodeling complex subunit ATPase 4; plus strand). Cytogenetic location: 19p13.2.
Variant type: single nucleotide variant.
Coding change: c.3560A>T on transcript NM_003072.5 (MANE Select); coding-DNA position 3560, A replaced by T.
Protein change: p.Gln1187Leu; replaces glutamine 1187 with leucine.
Molecular consequence: missense variant. On other transcripts: non-coding transcript variant (1).
Genome position (GRCh38, 1-based): chr19:11,033,303, A>T. VCF-style: chr19-11033303-A-T. GRCh37 (hg19) VCF-style: chr19-11143979-A-T.
Other names: c.3560A>T, p.Gln1187Leu (NM_001411150.1, NM_001128844.3, NM_001128845.2 and 6 more transcripts); short protein forms Q1187L.
Identifiers: ClinVar variation 4855862 (VCV004855862.1).

ClinVar aggregate classification (germline): Uncertain significance (1 of 4 stars; one submission).

Conditions:
Intellectual disability, autosomal dominant 16 (CSS4). Also called: COFFIN-SIRIS SYNDROME 4. Identifiers: Orphanet 1465, MedGen C3553249, MONDO:0013821, OMIM 614609.

Submission:

3billion
Classification: Uncertain significance for Intellectual disability, autosomal dominant 16. Last evaluated: 2025-07-31. Review status: criteria provided, single submitter. Criteria: ACMG Guidelines, 2015. Collection method: clinical testing. Allele origin: germline. Affected: yes.
Comment: The variant is not observed in the gnomAD v4.1.0 dataset. Predicted Consequence/Location: Missense variant In silico tool predictions suggest damaging effect of the variant on gene or gene product [REVEL: 0.92 (>=0.6, sensitivity 0.68 and specificity 0.92); 3Cnet: 0.97 (> 0.75, sensitivity 0.96 and precision 0.92)]. Different missense changes at the same codon have been reported as of uncertain significance (ClinVar ID: VCV002729748). Therefore, this variant is classified as VUS according to the recommendation of ACMG/AMP guideline.